The following is an entry in ClinVar:

ClinVar aggregate classification (germline): Pathogenic/Likely pathogenic. Review status: criteria provided, multiple submitters, no conflicts (2 of 4 stars). 2 submissions from 2 submitters: Pathogenic (1); Likely pathogenic (1). Last evaluated 2024-05-21.

Allele frequency attached by ClinVar (database versions not stated): gnomAD exomes below 0.00001 and 0.00001; TOPMed 0.00001.
gnomAD v4.1: 10 of 1,613,910 alleles (0.00062%); highest among the groups gnomAD compares: Non-Finnish European, 0.00068%; no homozygotes.

Submissions (2):

Genetic Services Laboratory, University of Chicago
Classification: Likely pathogenic. Last evaluated: 2024-05-21. Review status: criteria provided, single submitter. Criteria: ACMG Guidelines, 2015. Collection method: clinical testing. Allele origin: germline. Affected: yes.
Comment: DNA sequence analysis of the ITK gene demonstrated a sequence change, c.1684C>T, which results in the creation of a premature stop codon at amino acid position 562, p.Arg562*. This likely pathogenic sequence change is predicted to result in an abnormal transcript, which may be degraded, or may lead to the production of a truncated ITK protein with potentially abnormal function. This sequence change has been described in the gnomAD database with a frequency of 0.0006% in the overall population (dbSNP rs1207540324). While this sequence change has not previously been described in the literature, other loss-of-function variants in the ITK gene have been described as pathogenic individuals with ITK-related disorders, including downstream of this variant (PMID: 21109689, 22289921). Collectively, this evidence indicates that this sequence change is likely pathogenic, however functional studies have not been performed to prove this conclusively.

CeGaT Center for Human Genetics Tuebingen
Classification: Pathogenic. Last evaluated: 2019-04-01. Review status: criteria provided, single submitter. Criteria: CeGaT Center For Human Genetics Tuebingen Variant Classification Criteria Version 2. Collection method: clinical testing. Allele origin: germline. Affected: yes. Observed: 2 variant alleles.

NM_005546.4(ITK):c.1684C>T (p.Arg562Ter)

Gene: ITK (IL2 inducible T cell kinase; plus strand). Cytogenetic location: 5q33.3.
Variant type: single nucleotide variant.
Coding change: c.1684C>T on transcript NM_005546.4 (MANE Select); coding-DNA position 1684, C replaced by T.
Protein change: p.Arg562Ter; replaces arginine 562 with a stop codon.
Molecular consequence: nonsense.
Genome position (GRCh38, 1-based): chr5:157,248,900, C>T. VCF-style: chr5-157248900-C-T. GRCh37 (hg19) VCF-style: chr5-156675910-C-T.
Other names: c.1684C>T (NM_005546.3); short protein forms R562*.
Identifiers: ClinVar variation 871619 (VCV000871619.42), dbSNP rs1207540324, ClinGen allele CA361963040.
Genomic context (GRCh38, chr5:157,248,900, plus strand): 5'-TTTCTTGTAGGTGTGCTGATGTGGGAAGTTTTCAGTGAAGGCAAAATCCCGTATGAAAAC[C>T]GAAGCAACTCAGAGGTGGTGGAAGACATCAGTACCGGATTTCGGTTGTACAAGCCCCGGC-3'